The following is an entry in ClinVar:

NM_000444.6(PHEX):c.1735G>A (p.Gly579Arg)

Genes: PHEX (phosphate regulating endopeptidase X-linked; plus strand), PTCHD1-AS (PTCHD1 and PHEX antisense RNA; minus strand). Cytogenetic location: Xp22.11.
Variant type: single nucleotide variant.
Coding change: c.1735G>A on transcript NM_000444.6 (MANE Select); coding-DNA position 1735, G replaced by A.
Protein change: p.Gly579Arg; replaces glycine 579 with arginine.
Molecular consequence: missense variant.
Genome position (GRCh38, 1-based): chrX:22,219,070, G>A. VCF-style: chrX-22219070-G-A. GRCh37 (hg19) VCF-style: chrX-22237187-G-A.
Other names: NM_000444.5(PHEX):c.1735G>A(p.Gly579Arg); NM_001282754.1(PHEX):c.1735G>A(p.Gly579Arg); c.1735G>A, p.Gly579Arg (NM_001282754.2); short protein forms G579R.
Identifiers: ClinVar variation 226119 (VCV000226119.18), dbSNP rs875989883, ClinGen allele CA10576256.

ClinVar aggregate classification (germline): Pathogenic/Likely pathogenic. Review status: criteria provided, multiple submitters, no conflicts (2 of 4 stars). 11 submissions from 11 submitters: Pathogenic (7); Likely pathogenic (2). 2 of the submissions do not count toward it. Last evaluated 2025-11-25.

Conditions:
PHEX-related disorder. Also called: PHEX-related condition.
Vitamin D-dependent rickets, type 2. Also called: Familial Hypophosphatemic Rickets. Identifiers: Orphanet 93160, MedGen C3536983, MeSH D053098, MONDO:0019642.
Childhood hypophosphatasia. Identifiers: Orphanet 247667, Orphanet 436, MedGen C0220743, MONDO:1010168, OMIM 241510, MONDO:0009428.
Familial X-linked hypophosphatemic vitamin D refractory rickets (XLHRD). Also called: X-Linked Hypophosphatemia; HYPOPHOSPHATEMIC VITAMIN D-RESISTANT RICKETS; Hypophosphatemic Rickets, X-Linked Dominant; Hypophosphatemia, vitamin D-resistant rickets; Vitamin D-resistant rickets, X-linked. Identifiers: Orphanet 89936, MedGen C0733682, MONDO:0010619, OMIM 307800.

Submissions (11):

Labcorp Genetics (formerly Invitae), Labcorp
Classification: Pathogenic. Last evaluated: 2025-11-25. Review status: criteria provided, single submitter. Criteria: Invitae Variant Classification Sherloc (09022015). Collection method: clinical testing. Allele origin: germline.
Comment: This sequence change replaces glycine, which is neutral and non-polar, with arginine, which is basic and polar, at codon 579 of the PHEX protein (p.Gly579Arg). This variant is not present in population databases (gnomAD no frequency). This missense change has been observed in individuals with hypophosphatemic rickets (PMID: 9097956, 9199930, 18625346, 29858904). ClinVar contains an entry for this variant (Variation ID: 226119). Invitae Evidence Modeling of protein sequence and biophysical properties (such as structural, functional, and spatial information, amino acid conservation, physicochemical variation, residue mobility, and thermodynamic stability) indicates that this missense variant is expected to disrupt PHEX protein function with a positive predictive value of 95%. Experimental studies have shown that this missense change affects PHEX function (PMID: 11468271). Algorithms developed to predict the effect of sequence changes on RNA splicing suggest that this variant may disrupt the consensus splice site. For these reasons, this variant has been classified as Pathogenic.

GeneDx
Classification: Pathogenic. Last evaluated: 2025-10-11. Review status: criteria provided, single submitter. Criteria: GeneDx Variant Classification Process June 2021. Collection method: clinical testing. Allele origin: germline. Affected: yes.
Comment: Published functional studies demonstrate this variant results in incomplete glycosylation of the protein leading to failed expression at the plasma membrane and degradation within the endoplasmic reticulum (PMID: 12727977, 11468271); Not observed at significant frequency in large population cohorts (gnomAD); In silico analysis supports that this missense variant has a deleterious effect on protein structure/function; This variant is associated with the following publications: (PMID: 25525159, 16636593, 9199930, 9768674, 27884786, 24684036, 21293852, 21902834, 22577109, 11468271, 9097956, 29858904, 29460029, 30682568, 33639975, 32329911, 34141703, 23079138, 35842615, 12727977, 36060934, 35612621, 34633109, 32253725)

Blueprint Genetics
Classification: Pathogenic for PHEX-related disorders. Last evaluated: 2024-06-19. Review status: criteria provided, single submitter. Criteria: ACMG Guidelines, 2015. Collection method: clinical testing. Allele origin: germline. Affected: yes. Observed: 5 variant alleles.

3billion
Classification: Pathogenic for Familial X-linked hypophosphatemic vitamin D refractory rickets. Last evaluated: 2022-01-03. Review status: criteria provided, single submitter. Criteria: ACMG Guidelines, 2015. Collection method: clinical testing. Allele origin: germline. Affected: yes. Observed: 1 heterozygote.
Comment: Same nucleotide change resulting in same amino acid change has been previously reported as pathogenic/likely pathogenic with strong evidence (ClinVar ID: VCV000226119,VCV000438542, PS1_S). The variant is located in a well-established functional domain or exonic hotspot, where pathogenic variants have frequently reported (PM1_M).Different missense changes at the same codon (p.Gly579Val, p.Gly579Glu) have been reported as pathogenic/likely pathogenic with strong evidence (ClinVar ID: VCV000372777,VCV000378359, PMID:9097956, PM5_M). In silico tool predictions suggest damaging effect of the variant on gene or gene product (REVEL: 0.931, 3CNET: 0.997, PP3_P). It is not observed in the gnomAD v2.1.1 dataset (PM2_M). Therefore, this variant is classified as pathogenic according to the recommendation of ACMG/AMP guideline.

Fulgent Genetics
Classification: Pathogenic for Familial X-linked hypophosphatemic vitamin D refractory rickets. Last evaluated: 2021-11-17. Review status: criteria provided, single submitter. Criteria: ACMG Guidelines, 2015. Collection method: clinical testing. Allele origin: unknown.

SIB Swiss Institute of Bioinformatics
Classification: Pathogenic for Familial X-linked hypophosphatemic vitamin D refractory rickets. Last evaluated: 2018-05-31. Review status: criteria provided, single submitter. Criteria: ACMG Guidelines, 2015. Collection method: curation. Allele origin: unknown.
Comment: This variant is interpreted as a Pathogenic, for Hypophosphatemic rickets, X-linked dominant, in X-linked Dominant manner. The following ACMG Tag(s) were applied: PP3 => Multiple lines of computational evidence support a deleterious effect on the gene or gene product. PM2 => Absent from controls (or at extremely low frequency if recessive) in Exome Sequencing Project, 1000 Genomes Project, or Exome Aggregation Consortium. PS4-Moderate => Recurrent mutation found in unrelated patients. (PMID:9199930). PS3 => Well-established functional studies show a deleterious effect (PMID:11468271,12727977). PM6 => Assumed de novo, but without confirmation of paternity and maternity (PMID:24684036).

Center of Genomic medicine, Geneva, University Hospital of Geneva
Classification: Likely pathogenic for Familial X-linked hypophosphatemic vitamin D refractory rickets. Last evaluated: 2016-04-05. Review status: criteria provided, single submitter. Criteria: ACMG Guidelines, 2015. Collection method: clinical testing. Allele origin: germline. Affected: yes.

Institute of Human Genetics Munich, TUM University Hospital
Classification: Pathogenic for Familial X-linked hypophosphatemic vitamin D refractory rickets. Last evaluated: 2013-10-28. Review status: criteria provided, single submitter. Criteria: Classification criteria August 2017. Collection method: clinical testing. Allele origin: germline, de novo. Inheritance: X-linked inheritance. Affected: yes. Observed: 3 heterozygotes, 3 hemizygotes.

Juno Genomics, Hangzhou Juno Genomics, Inc
Classification: Likely pathogenic for Familial X-linked hypophosphatemic vitamin D refractory rickets. Review status: criteria provided, single submitter. Criteria: ACMG Guidelines, 2015. Collection method: clinical testing. Allele origin: germline. Affected: yes.
Comment: Absent from controls (or at extremely low frequency if recessive) in Genome Aggregation Database.;Well-established in vitro or in vivo functional studies supportive of a damaging effect on the gene or gene product.;The prevalence of the variant in affected individuals is significantly increased compared to the prevalence in controls.;De novo (both maternity and paternity confirmed) in a patient with the disease and no family history.;Patient's phenotype or family history is highly specific for a disease with a single genetic etiology.

Department of Traditional Chinese Medicine, Fujian Provincial Hospital
Classification: Likely pathogenic for Familial Hypophosphatemic Rickets. Last evaluated: 2017-04-01. Review status: no assertion criteria provided. Collection method: research. Allele origin: germline. Affected: yes. Not counted in ClinVar's aggregate classification.

Department of Pediatric Endocrinology, Shriners Hospitals for Children - Mexico City
No classification provided. Condition: Childhood hypophosphatasia. Review status: no classification provided. Collection method: phenotyping only. Allele origin: germline. Inheritance: X-linked dominant inheritance. Affected: yes. Observed: 10 variant alleles, 1 hemizygote. Clinical features observed: Hypophosphatemic rickets. Not counted in ClinVar's aggregate classification.

Literature cited by the submitters: PubMed 9097956 (cited by 3 submitters); PubMed 9199930 (cited by 4 submitters); PubMed 18625346 (cited by Labcorp Genetics (formerly Invitae), Labcorp); PubMed 29858904 (cited by Labcorp Genetics (formerly Invitae), Labcorp); PubMed 11468271 (cited by Labcorp Genetics (formerly Invitae), Labcorp and SIB Swiss Institute of Bioinformatics); PubMed 12727977 (cited by SIB Swiss Institute of Bioinformatics); PubMed 24684036 (cited by SIB Swiss Institute of Bioinformatics).